The following is an entry in ClinVar:

NM_001277115.2(DNAH11):c.8645C>A (p.Thr2882Asn)

Gene: DNAH11 (dynein axonemal heavy chain 11; plus strand). Cytogenetic location: 7p15.3.
Variant type: single nucleotide variant.
Coding change: c.8645C>A on transcript NM_001277115.2 (MANE Select); coding-DNA position 8645, C replaced by A.
Protein change: p.Thr2882Asn; replaces threonine 2882 with asparagine.
Molecular consequence: missense variant.
Genome position (GRCh38, 1-based): chr7:21,748,714, C>A. VCF-style: chr7-21748714-C-A. GRCh37 (hg19) VCF-style: chr7-21788332-C-A.
Other names: c.8666C>A, p.Thr2889Asn (NM_003777.3); short protein forms T2882N, T2889N.
Identifiers: ClinVar variation 2188438 (VCV002188438.4), dbSNP rs1351922809, ClinGen allele CA366955456.

ClinVar aggregate classification (germline): Uncertain significance (1 of 4 stars; one submission).

Conditions:
Primary ciliary dyskinesia. Also called: Ciliary dyskinesia. Identifiers: Orphanet 244, MedGen C0008780, MONDO:0016575, HP:0012265.

Submission:

Labcorp Genetics (formerly Invitae), Labcorp
Classification: Uncertain significance for Primary ciliary dyskinesia. Last evaluated: 2022-04-01. Review status: criteria provided, single submitter. Criteria: Invitae Variant Classification Sherloc (09022015). Collection method: clinical testing. Allele origin: germline.
Comment: This sequence change replaces threonine, which is neutral and polar, with asparagine, which is neutral and polar, at codon 2882 of the DNAH11 protein (p.Thr2882Asn). In summary, the available evidence is currently insufficient to determine the role of this variant in disease. Therefore, it has been classified as a Variant of Uncertain Significance. Advanced modeling of protein sequence and biophysical properties (such as structural, functional, and spatial information, amino acid conservation, physicochemical variation, residue mobility, and thermodynamic stability) performed at Invitae indicates that this missense variant is not expected to disrupt DNAH11 protein function. This variant has not been reported in the literature in individuals affected with DNAH11-related conditions. This variant is not present in population databases (gnomAD no frequency).